The following is an entry in ClinVar:

NM_000041.4(APOE):c.422A>G (p.Gln141Arg)

Gene: APOE (apolipoprotein E; plus strand). Cytogenetic location: 19q13.32.
Variant type: single nucleotide variant.
Coding change: c.422A>G on transcript NM_000041.4 (MANE Select); coding-DNA position 422, A replaced by G.
Protein change: p.Gln141Arg; replaces glutamine 141 with arginine.
Molecular consequence: missense variant.
Genome position (GRCh38, 1-based): chr19:44,908,718, A>G. VCF-style: chr19-44908718-A-G. GRCh37 (hg19) VCF-style: chr19-45411975-A-G.
Other names: c.500A>G, p.Gln167Arg (NM_001302688.2); c.422A>G, p.Gln141Arg (NM_001302689.2, NM_001302690.2, NM_001302691.2); short protein forms Q141R, Q167R.
Identifiers: ClinVar variation 917851 (VCV000917851.2), dbSNP rs1969863273, ClinGen allele CA406303994.

ClinVar aggregate classification (germline): Uncertain significance (0 of 4 stars; one submission).

Conditions:
Familial hypercholesterolemia. Also called: Familial hypercholesterolaemia. Identifiers: MedGen C0020445, MONDO:0005439.
Hyperlipoproteinemia. Identifiers: MedGen C0020476, MONDO:0037748, HP:0010980.
Familial type 3 hyperlipoproteinemia. Also called: Hyperlipoproteinemia type 3; Hyperlipoproteinemia type III; Dysbetalipoproteinemia; Familial dysbetalipoproteinemia; Broad beta disease; Remnant removal disease. Identifiers: Orphanet 412, MedGen C0020479, MONDO:0018473, OMIM 617347.

gnomAD v4.1: 1 of 1,560,000 alleles (0.000064%); highest among the groups gnomAD compares: Non-Finnish European, 0.000087%; no homozygotes.

Submission:

GBinsight Genetic Testing by GB HealthWatch, Genben Lifesciences Corporation
Classification: Uncertain significance for Familial type 3 hyperlipoproteinemia; Hyperlipoproteinemia; Familial hypercholesterolemia. Last evaluated: 2020-05-27. Review status: no assertion criteria provided. Collection method: clinical testing. Allele origin: germline. Inheritance: Autosomal dominant inheritance. Affected: yes. Observed: 1 heterozygote.
Comment: Clinical genetic testing identified heterozygosity for the p.Gln141Arg (NM_000041.4:c.422A>G) genetic variant in the the germline. Phenotype segregated with genotype in family members.